The following is an entry in ClinVar:

ClinVar aggregate classification (germline): Uncertain significance. Review status: criteria provided, multiple submitters, no conflicts (2 of 4 stars). 4 submissions from 4 submitters: Uncertain significance (4). Last evaluated 2025-03-23.

Conditions:
Inborn genetic diseases. Identifiers: MedGen C0950123, MeSH D030342.
Muscular dystrophy-dystroglycanopathy (congenital with brain and eye anomalies), type a, 11 (MDDGA11). Also called: WALKER-WARBURG SYNDROME OR MUSCLE-EYE-BRAIN DISEASE, B3GALNT2-RELATED; Muscular dystrophy-dystroglycanopathy (congenital with brain and eye anomalies, type A, 11; Congenital muscular dystrophy-dystroglycanopathy with brain and eye anomalies, type A11. Identifiers: Orphanet 588, Orphanet 899, MedGen C3554638, MONDO:0014071, OMIM 615181.

Allele frequency attached by ClinVar (database versions not stated): ExAC 0.00002; gnomAD 0.00005; ESP Exome Variant Server 0.00015.
gnomAD v4.1: 10 of 1,613,874 alleles (0.00062%); highest among the groups gnomAD compares: African/African-American, 0.012%; no homozygotes.

Submissions (4):

Ambry Genetics
Classification: Uncertain significance for Inborn genetic diseases. Last evaluated: 2025-03-23. Review status: criteria provided, single submitter. Criteria: Ambry Variant Classification Scheme 2023. Collection method: clinical testing. Allele origin: germline.

Labcorp Genetics (formerly Invitae), Labcorp
Classification: Uncertain significance for Muscular dystrophy-dystroglycanopathy (congenital with brain and eye anomalies), type a, 11. Last evaluated: 2024-02-24. Review status: criteria provided, single submitter. Criteria: Invitae Variant Classification Sherloc (09022015). Collection method: clinical testing. Allele origin: germline.
Comment: This sequence change replaces threonine, which is neutral and polar, with alanine, which is neutral and non-polar, at codon 222 of the B3GALNT2 protein (p.Thr222Ala). This variant is present in population databases (rs375121424, gnomAD 0.02%). This variant has not been reported in the literature in individuals affected with B3GALNT2-related conditions. ClinVar contains an entry for this variant (Variation ID: 1359369). Advanced modeling of protein sequence and biophysical properties (such as structural, functional, and spatial information, amino acid conservation, physicochemical variation, residue mobility, and thermodynamic stability) performed at Invitae indicates that this missense variant is not expected to disrupt B3GALNT2 protein function with a negative predictive value of 80%. In summary, the available evidence is currently insufficient to determine the role of this variant in disease. Therefore, it has been classified as a Variant of Uncertain Significance.

GeneDx
Classification: Uncertain significance. Last evaluated: 2022-05-05. Review status: criteria provided, single submitter. Criteria: GeneDx Variant Classification Process June 2021. Collection method: clinical testing. Allele origin: germline. Affected: yes.
Comment: Not observed at significant frequency in large population cohorts (gnomAD); In silico analysis supports that this missense variant has a deleterious effect on protein structure/function; Has not been previously published as pathogenic or benign to our knowledge

Revvity Omics, Revvity
Classification: Uncertain significance for Muscular dystrophy-dystroglycanopathy (congenital with brain and eye anomalies), type a, 11. Last evaluated: 2021-11-02. Review status: criteria provided, single submitter. Criteria: ACMG Guidelines, 2015. Collection method: clinical testing. Allele origin: germline.

NM_152490.5(B3GALNT2):c.664A>G (p.Thr222Ala)

Gene: B3GALNT2 (beta-1,3-N-acetylgalactosaminyltransferase 2; minus strand). Cytogenetic location: 1q42.3.
Variant type: single nucleotide variant.
Coding change: c.664A>G on transcript NM_152490.5 (MANE Select); coding-DNA position 664, A replaced by G.
Protein change: p.Thr222Ala; replaces threonine 222 with alanine.
Molecular consequence: missense variant.
Genome position (GRCh38, 1-based): chr1:235,470,948, T>C on the plus strand (A>G on the coding strand, the complement: B3GALNT2 is on the minus strand). VCF-style: chr1-235470948-T-C. GRCh37 (hg19) VCF-style: chr1-235634262-T-C.
Other names: c.787A>G, p.Thr263Ala (NM_001277155.3); short protein forms T222A, T263A.
Identifiers: ClinVar variation 1359369 (VCV001359369.10), dbSNP rs375121424, ClinGen allele CA1464831.
Genomic context (GRCh38, chr1:235,470,948, plus strand): 5'-TCACTTTGTGGAGATTTCTTGACACAAGGCCGTGGAGGTCTTGGCTCTCCCACACGATTG[T>C]ACCTTCAAAGCTCTTTTGTAGAAAGATGAATAGTGAGTCAATTTCCTTATTGCTGTCATT-3'
Protein context (NP_689703.1, residues 212-232): QFILPESFEG[Thr222Ala]IVWESQDLHG